The following is an entry in ClinVar:

ClinVar aggregate classification (germline): Benign/Likely benign. Review status: criteria provided, multiple submitters, no conflicts (2 of 4 stars). 7 submissions from 7 submitters: Benign (2); Likely benign (5). Last evaluated 2025-10-08.

Conditions:
Hereditary sensory neuropathy-deafness-dementia syndrome. Also called: Hereditary Sensory and Autonomic Neuropathy Type 1E (HSAN1E); NEUROPATHY, HEREDITARY SENSORY, WITH HEARING LOSS AND DEMENTIA; Hereditary sensory neuropathy type IE; HSN IE. Identifiers: Orphanet 456318, MedGen C3279885, MONDO:0013584, OMIM 614116.
DNMT1-related disorder. Also called: DNMT1-related condition. Identifiers: MedGen CN381527.

Allele frequency attached by ClinVar (database versions not stated): TOPMed 0.00007; ESP Exome Variant Server 0.00008; gnomAD exomes 0.00013; gnomAD 0.00019; ExAC 0.00025.
gnomAD v4.1: 181 of 1,613,864 alleles (0.011%); highest among the groups gnomAD compares: Middle Eastern, 0.033%; no homozygotes.

Submissions (7):

PreventionGenetics, part of Exact Sciences
Classification: Likely benign for DNMT1-related condition. Last evaluated: 2025-10-08. Review status: criteria provided, single submitter. Criteria: ACMG Guidelines, 2015. Collection method: clinical testing. Allele origin: germline.
Comment: This variant is classified as likely benign based on ACMG/AMP sequence variant interpretation guidelines (Richards et al. 2015 PMID: 25741868, with internal and published modifications).

Labcorp Genetics (formerly Invitae), Labcorp
Classification: Likely benign for Hereditary sensory neuropathy-deafness-dementia syndrome. Last evaluated: 2025-02-24. Review status: criteria provided, single submitter. Criteria: Invitae Variant Classification Sherloc (09022015). Collection method: clinical testing. Allele origin: germline.

Women's Health and Genetics/Laboratory Corporation of America, LabCorp
Classification: Benign. Last evaluated: 2025-01-27. Review status: criteria provided, single submitter. Criteria: LabCorp Variant Classification Summary - May 2015. Collection method: clinical testing. Allele origin: germline.

Blueprint Genetics
Classification: Likely benign. Last evaluated: 2024-09-09. Review status: criteria provided, single submitter. Criteria: ACMG Guidelines, 2015. Collection method: clinical testing. Allele origin: germline.

CeGaT Center for Human Genetics Tuebingen
Classification: Likely benign. Last evaluated: 2024-03-01. Review status: criteria provided, single submitter. Criteria: CeGaT Center For Human Genetics Tuebingen Variant Classification Criteria Version 2. Collection method: clinical testing. Allele origin: germline. Affected: yes. Observed: 1 variant allele.
Comment: DNMT1: BP4, BP7

GeneDx
Classification: Likely benign. Last evaluated: 2020-10-19. Review status: criteria provided, single submitter. Criteria: GeneDx Variant Classification Process June 2021. Collection method: clinical testing. Allele origin: germline. Affected: yes.

Illumina Laboratory Services, Illumina
Classification: Benign for Hereditary sensory neuropathy-deafness-dementia syndrome. Last evaluated: 2018-01-13. Review status: criteria provided, single submitter. Criteria: ICSL Variant Classification Criteria 13 December 2019. Collection method: clinical testing. Allele origin: germline.
Comment: This variant was observed in the ICSL laboratory as part of a predisposition screen in an ostensibly healthy population. It had not been previously curated by ICSL or reported in the Human Gene Mutation Database (HGMD: prior to June 1st, 2018), and was therefore a candidate for classification through an automated scoring system. Utilizing variant allele frequency, disease prevalence and penetrance estimates, and inheritance mode, an automated score was calculated to assess if this variant is too frequent to cause the disease. Based on the score and internal cut-off values, a variant classified as benign is not then subjected to further curation. The score for this variant resulted in a classification of benign for this disease.

NM_001130823.3(DNMT1):c.387C>T (p.Pro129=)

Gene: DNMT1 (DNA methyltransferase 1; minus strand). Cytogenetic location: 19p13.2.
Variant type: single nucleotide variant.
Coding change: c.387C>T on transcript NM_001130823.3 (MANE Select); coding-DNA position 387, C replaced by T.
Protein change: p.Pro129=; no amino-acid change (proline 129 retained).
Molecular consequence: synonymous variant.
Genome position (GRCh38, 1-based): chr19:10,180,408, G>A on the plus strand (C>T on the coding strand, the complement: DNMT1 is on the minus strand). VCF-style: chr19-10180408-G-A. GRCh37 (hg19) VCF-style: chr19-10291084-G-A.
Other names: c.387C>T (LRG_362t1, NM_001130823.2); c.387C>T, p.Pro129= (NM_001318730.2, NM_001379.4); c.24C>T, p.Pro8= (NM_001318731.2).
Identifiers: ClinVar variation 327926 (VCV000327926.42), dbSNP rs369470867, ClinGen allele CA9188771.